The following is an entry in ClinVar:

ClinVar aggregate classification (germline): Uncertain significance (1 of 4 stars; one submission).

Conditions:
Ataxia-telangiectasia syndrome (AT). Also called: Ataxia-telangiectasia, complementation group D; AT, COMPLEMENTATION GROUP C; Cerebello-oculocutaneous telangiectasia; Immunodeficiency with ataxia telangiectasia; Ataxia-telangiectasia, complementation group E; LOUIS-BAR SYNDROME. Identifiers: Orphanet 100, MedGen C0004135, MONDO:0008840, OMIM 208900.

Submission:

Labcorp Genetics (formerly Invitae), Labcorp
Classification: Uncertain significance for Ataxia-telangiectasia syndrome. Last evaluated: 2021-04-21. Review status: criteria provided, single submitter. Criteria: Invitae Variant Classification Sherloc (09022015). Collection method: clinical testing. Allele origin: germline.
Comment: In summary, the available evidence is currently insufficient to determine the role of this variant in disease. Therefore, it has been classified as a Variant of Uncertain Significance. Advanced modeling of protein sequence and biophysical properties (such as structural, functional, and spatial information, amino acid conservation, physicochemical variation, residue mobility, and thermodynamic stability) performed at Invitae indicates that this missense variant is not expected to disrupt ATM protein function. This variant has not been reported in the literature in individuals with ATM-related conditions. This variant is not present in population databases (ExAC no frequency). This sequence change replaces glutamic acid with lysine at codon 522 of the ATM protein (p.Glu522Lys). The glutamic acid residue is highly conserved and there is a small physicochemical difference between glutamic acid and lysine.

NM_000051.4(ATM):c.1564G>A (p.Glu522Lys)

Gene: ATM (ATM serine/threonine kinase; plus strand). Cytogenetic location: 11q22.3.
Variant type: single nucleotide variant.
Coding change: c.1564G>A on transcript NM_000051.4 (MANE Select); coding-DNA position 1564, G replaced by A.
Protein change: p.Glu522Lys; replaces glutamic acid 522 with lysine.
Molecular consequence: missense variant.
Genome position (GRCh38, 1-based): chr11:108,251,029, G>A. VCF-style: chr11-108251029-G-A. GRCh37 (hg19) VCF-style: chr11-108121756-G-A.
Other names: c.1564G>A, p.Glu522Lys (NM_001351834.2); short protein forms E522K.
Identifiers: ClinVar variation 1468312 (VCV001468312.8), dbSNP rs2080118610, ClinGen allele CA382534363.